The following is an entry in ClinVar:

NM_032634.4(PIGO):c.2022G>T (p.Val674=)

Gene: PIGO (phosphatidylinositol glycan anchor biosynthesis class O; minus strand). Cytogenetic location: 9p13.3.
Variant type: single nucleotide variant.
Coding change: c.2022G>T on transcript NM_032634.4 (MANE Select); coding-DNA position 2022, G replaced by T.
Protein change: p.Val674=; no amino-acid change (valine 674 retained).
Molecular consequence: synonymous variant. On other transcripts: intron variant (2).
Genome position (GRCh38, 1-based): chr9:35,091,865, C>A on the plus strand (G>T on the coding strand, the complement: PIGO is on the minus strand). VCF-style: chr9-35091865-C-A. GRCh37 (hg19) VCF-style: chr9-35091862-C-A.
Other names: c.1345-574G>T (NM_152850.4, NM_001201484.2).
Identifiers: ClinVar variation 384748 (VCV000384748.1), dbSNP rs1057522037, ClinGen allele CA16605700.

ClinVar aggregate classification (germline): Likely benign (1 of 4 stars; one submission).

Submission:

GeneDx
Classification: Likely benign. Last evaluated: 2016-03-24. Review status: criteria provided, single submitter. Criteria: GeneDx Variant Classification (06012015). Collection method: clinical testing. Allele origin: germline. Affected: yes.
Comment: This variant is considered likely benign or benign based on one or more of the following criteria: it is a conservative change, it occurs at a poorly conserved position in the protein, it is predicted to be benign by multiple in silico algorithms, and/or has population frequency not consistent with disease.